The following is an entry in ClinVar:

NM_033118.4(MYLK2):c.430C>T (p.Pro144Ser)

Gene: MYLK2 (myosin light chain kinase 2; plus strand). Cytogenetic location: 20q11.21.
Variant type: single nucleotide variant.
Coding change: c.430C>T on transcript NM_033118.4 (MANE Select); coding-DNA position 430, C replaced by T.
Protein change: p.Pro144Ser; replaces proline 144 with serine.
Molecular consequence: missense variant.
Genome position (GRCh38, 1-based): chr20:31,820,503, C>T. VCF-style: chr20-31820503-C-T. GRCh37 (hg19) VCF-style: chr20-30408306-C-T.
Other names: short protein forms P144S.
Identifiers: ClinVar variation 1918992 (VCV001918992.5), dbSNP rs34396614, ClinGen allele CA9802919.

ClinVar aggregate classification (germline): Uncertain significance (1 of 4 stars; one submission).

Conditions:
Hypertrophic cardiomyopathy 1 (CMH1). Also called: Familial hypertrophic cardiomyopathy 1; MYH7-Related Familial Hypertrophic Cardiomyopathy. Identifiers: MedGen C3495498, MONDO:0008647, OMIM 192600.

gnomAD v4.1: 20 of 1,605,736 alleles (0.0012%); highest among the groups gnomAD compares: Admixed American, 0.0067%; no homozygotes.

Submission:

Labcorp Genetics (formerly Invitae), Labcorp
Classification: Uncertain significance for Hypertrophic cardiomyopathy 1. Last evaluated: 2022-01-26. Review status: criteria provided, single submitter. Criteria: Invitae Variant Classification Sherloc (09022015). Collection method: clinical testing. Allele origin: germline.
Comment: This sequence change replaces proline, which is neutral and non-polar, with serine, which is neutral and polar, at codon 144 of the MYLK2 protein (p.Pro144Ser). This variant is present in population databases (rs34396614, gnomAD 0.006%). This variant has not been reported in the literature in individuals affected with MYLK2-related conditions. Algorithms developed to predict the effect of missense changes on protein structure and function are either unavailable or do not agree on the potential impact of this missense change (SIFT: "Tolerated"; PolyPhen-2: "Probably Damaging"; Align-GVGD: "Class C0"). In summary, the available evidence is currently insufficient to determine the role of this variant in disease. Therefore, it has been classified as a Variant of Uncertain Significance.